The following is an entry in ClinVar:

NM_004830.4(MED23):c.667G>A (p.Gly223Ser)

Gene: MED23 (mediator complex subunit 23; minus strand). Cytogenetic location: 6q23.2.
Variant type: single nucleotide variant.
Coding change: c.667G>A on transcript NM_004830.4 (MANE Select); coding-DNA position 667, G replaced by A.
Protein change: p.Gly223Ser; replaces glycine 223 with serine.
Molecular consequence: missense variant.
Genome position (GRCh38, 1-based): chr6:131,619,827, C>T on the plus strand (G>A on the coding strand, the complement: MED23 is on the minus strand). VCF-style: chr6-131619827-C-T. GRCh37 (hg19) VCF-style: chr6-131940967-C-T.
Other names: c.667G>A, p.Gly223Ser (NM_001270521.2, NM_001270522.2, NM_001376517.1 and 7 more transcripts); c.595G>A, p.Gly199Ser (NM_001376518.1); short protein forms G199S, G223S.
Identifiers: ClinVar variation 1754848 (VCV001754848.2), dbSNP rs2482839641, ClinGen allele CA365645963.

ClinVar aggregate classification (germline): Uncertain significance (1 of 4 stars; one submission).

Conditions:
Inborn genetic diseases. Identifiers: MedGen C0950123, MeSH D030342.

Allele frequency attached by ClinVar (database versions not stated): gnomAD exomes below 0.00001.

Submission:

Ambry Genetics
Classification: Uncertain significance for Inborn genetic diseases. Last evaluated: 2017-06-26. Review status: criteria provided, single submitter. Criteria: Ambry Variant Classification Scheme 2023. Collection method: clinical testing. Allele origin: germline.
Comment: The p.G223S variant (also known as c.667G>A), located in coding exon 8 of the MED23 gene, results from a G to A substitution at nucleotide position 667. This change occurs in the last base pair of coding exon 8, which makes it likely to have some effect on normal mRNA splicing. In addition to potential splicing impact, this alteration changes the glycine at codon 223 to serine, an amino acid with similar properties. Both the nucleotide and amino acid positions are highly conserved in available vertebrate species. Using the BDGP and ESEfinder splice site prediction tools, this alteration is predicted to weaken the efficiency of the native splice donor site; however, direct experimental evidence is unavailable. In addition, this alteration is predicted to be deleterious by in silico analysis. Since supporting evidence is limited at this time, the clinical significance of this alteration remains unclear.